The following is an entry in ClinVar:

ClinVar aggregate classification (germline): Uncertain significance (1 of 4 stars; one submission).

Conditions:
Cutis laxa, autosomal dominant 3 (ADCL3). Identifiers: Orphanet 90348, MedGen C4225268, MONDO:0014706, OMIM 616603.
Autosomal dominant spastic paraplegia type 9. Identifiers: MedGen C1832669, MONDO:0015091.
de Barsy syndrome. Also called: Cutis laxa-corneal clouding-oligophrenia syndrome. Identifiers: Orphanet 2962, MedGen C0268354, MONDO:0017569.

Submission:

Labcorp Genetics (formerly Invitae), Labcorp
Classification: Uncertain significance for Autosomal dominant spastic paraplegia type 9; de Barsy syndrome; Cutis laxa, autosomal dominant 3. Last evaluated: 2025-03-04. Review status: criteria provided, single submitter. Criteria: Invitae Variant Classification Sherloc (09022015). Collection method: clinical testing. Allele origin: germline.
Comment: This sequence change replaces glutamic acid, which is acidic and polar, with glycine, which is neutral and non-polar, at codon 708 of the ALDH18A1 protein (p.Glu708Gly). This variant is not present in population databases (gnomAD no frequency). This variant has not been reported in the literature in individuals affected with ALDH18A1-related conditions. Invitae Evidence Modeling of protein sequence and biophysical properties (such as structural, functional, and spatial information, amino acid conservation, physicochemical variation, residue mobility, and thermodynamic stability) has been performed for this missense variant. However, the output from this modeling did not meet the statistical confidence thresholds required to predict the impact of this variant on ALDH18A1 protein function. In summary, the available evidence is currently insufficient to determine the role of this variant in disease. Therefore, it has been classified as a Variant of Uncertain Significance.

NM_002860.4(ALDH18A1):c.2123A>G (p.Glu708Gly)

Gene: ALDH18A1 (aldehyde dehydrogenase 18 family member A1; minus strand). Cytogenetic location: 10q24.1.
Variant type: single nucleotide variant.
Coding change: c.2123A>G on transcript NM_002860.4 (MANE Select); coding-DNA position 2123, A replaced by G.
Protein change: p.Glu708Gly; replaces glutamic acid 708 with glycine.
Molecular consequence: missense variant.
Genome position (GRCh38, 1-based): chr10:95,610,280, T>C on the plus strand (A>G on the coding strand, the complement: ALDH18A1 is on the minus strand). VCF-style: chr10-95610280-T-C. GRCh37 (hg19) VCF-style: chr10-97370037-T-C.
Other names: c.2117A>G, p.Glu706Gly (NM_001017423.2, NM_001323415.2); c.1790A>G, p.Glu597Gly (NM_001323412.2, NM_001323416.2); c.2123A>G, p.Glu708Gly (NM_001323413.2, NM_001323414.2); c.2018A>G, p.Glu673Gly (NM_001323417.2); c.1784A>G, p.Glu595Gly (NM_001323418.2); c.1487A>G, p.Glu496Gly (NM_001323419.2); short protein forms E595G, E708G, E496G, E706G, E597G, E673G.
Identifiers: ClinVar variation 4783425 (VCV004783425.1).